The following is an entry in ClinVar:

NM_001271.4(CHD2):c.584C>T (p.Pro195Leu)

Gene: CHD2 (chromodomain helicase DNA binding protein 2; plus strand). Cytogenetic location: 15q26.1.
Variant type: single nucleotide variant.
Coding change: c.584C>T on transcript NM_001271.4 (MANE Select); coding-DNA position 584, C replaced by T.
Protein change: p.Pro195Leu; replaces proline 195 with leucine.
Molecular consequence: missense variant.
Genome position (GRCh38, 1-based): chr15:92,939,610, C>T. VCF-style: chr15-92939610-C-T. GRCh37 (hg19) VCF-style: chr15-93482840-C-T.
Other names: c.584C>T, p.Pro195Leu (NM_001042572.3); short protein forms P195L.
Identifiers: ClinVar variation 857976 (VCV000857976.9), dbSNP rs1381374225, ClinGen allele CA393900041.

ClinVar aggregate classification (germline): Uncertain significance (1 of 4 stars; one submission).

Conditions:
Developmental and epileptic encephalopathy 94 (DEE94). Also called: Epileptic encephalopathy, childhood-onset; CHD2-Related Neurodevelopmental Disorders. Identifiers: Orphanet 1942, Orphanet 2382, MedGen C3809278, MONDO:0014150, OMIM 615369.

Allele frequency attached by ClinVar (database versions not stated): gnomAD exomes below 0.00001 and 0.00002; TOPMed 0.00003; gnomAD 0.00005 and 0.00006.
gnomAD v4.1: 39 of 1,613,842 alleles (0.0024%); highest among the groups gnomAD compares: African/African-American, 0.004%; no homozygotes.

Submission:

Labcorp Genetics (formerly Invitae), Labcorp
Classification: Uncertain significance for Developmental and epileptic encephalopathy 94. Last evaluated: 2025-01-17. Review status: criteria provided, single submitter. Criteria: Invitae Variant Classification Sherloc (09022015). Collection method: clinical testing. Allele origin: germline.
Comment: This sequence change replaces proline, which is neutral and non-polar, with leucine, which is neutral and non-polar, at codon 195 of the CHD2 protein (p.Pro195Leu). This variant is present in population databases (no rsID available, gnomAD 0.003%). This variant has not been reported in the literature in individuals affected with CHD2-related conditions. ClinVar contains an entry for this variant (Variation ID: 857976). Invitae Evidence Modeling of protein sequence and biophysical properties (such as structural, functional, and spatial information, amino acid conservation, physicochemical variation, residue mobility, and thermodynamic stability) indicates that this missense variant is not expected to disrupt CHD2 protein function with a negative predictive value of 95%. In summary, the available evidence is currently insufficient to determine the role of this variant in disease. Therefore, it has been classified as a Variant of Uncertain Significance.